The following is an entry in ClinVar:

NM_016938.5(EFEMP2):c.286C>T (p.Pro96Ser)

Gene: EFEMP2 (EGF-like fibulin extracellular matrix protein 2; minus strand). Cytogenetic location: 11q13.1.
Variant type: single nucleotide variant.
Coding change: c.286C>T on transcript NM_016938.5 (MANE Select); coding-DNA position 286, C replaced by T.
Protein change: p.Pro96Ser; replaces proline 96 with serine.
Molecular consequence: missense variant. On other transcripts: non-coding transcript variant (1).
Genome position (GRCh38, 1-based): chr11:65,871,238, G>A on the plus strand (C>T on the coding strand, the complement: EFEMP2 is on the minus strand). VCF-style: chr11-65871238-G-A. GRCh37 (hg19) VCF-style: chr11-65638709-G-A.
Other names: short protein forms P96S.
Identifiers: ClinVar variation 853111 (VCV000853111.11), dbSNP rs141721562, ClinGen allele CA6110726.

ClinVar aggregate classification (germline): Uncertain significance. Review status: criteria provided, multiple submitters, no conflicts (2 of 4 stars). 4 submissions from 4 submitters: Uncertain significance (4). Last evaluated 2025-11-12.

Conditions:
Cutis laxa, autosomal recessive, type 1B (ARCL1B). Also called: EFEMP2-Related Cutis Laxa; CUTIS LAXA, AUTOSOMAL RECESSIVE, TYPE IB. Identifiers: Orphanet 90349, MedGen C3280798, MONDO:0013754, OMIM 614437. Disease mechanism: loss of function.
Cardiovascular phenotype. Identifiers: MedGen CN230736.

Allele frequency attached by ClinVar (database versions not stated): gnomAD 0.00001; gnomAD exomes 0.00001 and 0.00018; ExAC 0.00002; TOPMed 0.00002; ESP Exome Variant Server 0.00015.

Submissions (4):

Women's Health and Genetics/Laboratory Corporation of America, LabCorp
Classification: Uncertain significance. Last evaluated: 2025-11-12. Review status: criteria provided, single submitter. Criteria: LabCorp Variant Classification Summary - May 2015. Collection method: clinical testing. Allele origin: germline.

Ambry Genetics
Classification: Uncertain significance for Cardiovascular phenotype. Last evaluated: 2025-09-01. Review status: criteria provided, single submitter. Criteria: Ambry Variant Classification Scheme 2023. Collection method: clinical testing. Allele origin: germline.

Blueprint Genetics
Classification: Uncertain significance. Last evaluated: 2022-10-01. Review status: criteria provided, single submitter. Criteria: ACMG Guidelines, 2015. Collection method: clinical testing. Allele origin: germline.

Labcorp Genetics (formerly Invitae), Labcorp
Classification: Uncertain significance for Cutis laxa, autosomal recessive, type 1B. Last evaluated: 2022-07-12. Review status: criteria provided, single submitter. Criteria: Invitae Variant Classification Sherloc (09022015). Collection method: clinical testing. Allele origin: germline.
Comment: This sequence change replaces proline, which is neutral and non-polar, with serine, which is neutral and polar, at codon 96 of the EFEMP2 protein (p.Pro96Ser). This variant is present in population databases (rs141721562, gnomAD 0.004%). This variant has not been reported in the literature in individuals affected with EFEMP2-related conditions. ClinVar contains an entry for this variant (Variation ID: 853111). Algorithms developed to predict the effect of missense changes on protein structure and function output the following: SIFT: "Deleterious"; PolyPhen-2: "Benign"; Align-GVGD: "Class C0". The serine amino acid residue is found in multiple mammalian species, which suggests that this missense change does not adversely affect protein function. In summary, the available evidence is currently insufficient to determine the role of this variant in disease. Therefore, it has been classified as a Variant of Uncertain Significance.